The following is an entry in ClinVar:

NM_015213.4(DENND5A):c.1819C>G (p.Arg607Gly)

Gene: DENND5A (DENN domain containing 5A; minus strand). Cytogenetic location: 11p15.4.
Variant type: single nucleotide variant.
Coding change: c.1819C>G on transcript NM_015213.4 (MANE Select); coding-DNA position 1819, C replaced by G.
Protein change: p.Arg607Gly; replaces arginine 607 with glycine.
Molecular consequence: missense variant. On other transcripts: non-coding transcript variant (1).
Genome position (GRCh38, 1-based): chr11:9,178,219, G>C on the plus strand (C>G on the coding strand, the complement: DENND5A is on the minus strand). VCF-style: chr11-9178219-G-C. GRCh37 (hg19) VCF-style: chr11-9199766-G-C.
Other names: c.1819C>G, p.Arg607Gly (NM_001243254.2, NM_001348748.1); c.1747C>G, p.Arg583Gly (NM_001348749.2); c.1531C>G, p.Arg511Gly (NM_001348750.2); short protein forms R583G, R607G, R511G.
Identifiers: ClinVar variation 2954808 (VCV002954808.3), dbSNP rs750450139, ClinGen allele CA5877516.

ClinVar aggregate classification (germline): Uncertain significance (1 of 4 stars; one submission).

Allele frequency attached by ClinVar (database versions not stated): TOPMed below 0.00001; ExAC 0.00002.
gnomAD v4.1: 11 of 1,614,022 alleles (0.00068%); highest among the groups gnomAD compares: Non-Finnish European, 0.00076%; no homozygotes.

Submission:

Labcorp Genetics (formerly Invitae), Labcorp
Classification: Uncertain significance. Last evaluated: 2024-01-10. Review status: criteria provided, single submitter. Criteria: Invitae Variant Classification Sherloc (09022015). Collection method: clinical testing. Allele origin: germline.
Comment: This sequence change replaces arginine, which is basic and polar, with glycine, which is neutral and non-polar, at codon 607 of the DENND5A protein (p.Arg607Gly). This variant is present in population databases (rs750450139, gnomAD 0.004%). This variant has not been reported in the literature in individuals affected with DENND5A-related conditions. Advanced modeling of protein sequence and biophysical properties (such as structural, functional, and spatial information, amino acid conservation, physicochemical variation, residue mobility, and thermodynamic stability) performed at Invitae indicates that this missense variant is expected to disrupt DENND5A protein function with a positive predictive value of 80%. In summary, the available evidence is currently insufficient to determine the role of this variant in disease. Therefore, it has been classified as a Variant of Uncertain Significance.